The following is an entry in ClinVar:

ClinVar aggregate classification (germline): Uncertain significance (1 of 4 stars; one submission).

Conditions:
Hereditary cancer-predisposing syndrome. Also called: Tumor predisposition; Neoplastic Syndromes, Hereditary; Hereditary neoplastic syndrome; Hereditary Cancer Syndrome. Identifiers: Orphanet 140162, MedGen C0027672, MeSH D009386, MONDO:0015356.

Submission:

Ambry Genetics
Classification: Uncertain significance for Hereditary cancer-predisposing syndrome. Last evaluated: 2025-10-27. Review status: criteria provided, single submitter. Criteria: Ambry Variant Classification Scheme 2023. Collection method: clinical testing. Allele origin: germline.
Comment: The c.437_439delACAinsCC variant, located in coding exon 4 of the SDHAF2 gene, results from the deletion of 3 nucleotides and insertion of two nucleotides causing a translational frameshift with a predicted alternate stop codon (p.N146Tfs*37). This alteration occurs at the 3' terminus of theSDHAF2 gene, is not expected to trigger nonsense-mediated mRNAdecay and results in the elongation of the protein by 15 amino acids. This frameshift impacts the last 12.6% of the native protein. The exact functional effect of this alteration is unknown. Based on the available evidence, the clinical significance of this variant remains unclear.

NM_017841.4(SDHAF2):c.437_439delinsCC (p.Asn146fs)

Gene: SDHAF2 (succinate dehydrogenase complex assembly factor 2; plus strand). Cytogenetic location: 11q12.2.
Variant type: Indel.
Coding change: c.437_439delinsCC on transcript NM_017841.4 (MANE Select); coding-DNA positions 437 to 439, ACA replaced by CC.
Protein change: p.Asn146fs; shifts the reading frame from asparagine 146.
Molecular consequence: frameshift variant.
Genome position (GRCh38, 1-based): chr11:61,446,007-61,446,009, ACA replaced by CC. VCF-style: chr11-61446007-ACA-CC. GRCh37 (hg19) VCF-style: chr11-61213479-ACA-CC.
Other names: short protein forms N146fs.
Identifiers: ClinVar variation 3438730 (VCV003438730.2).
Genomic context (GRCh38, chr11:61,446,007, plus strand): 5'-AACCAGCCCCAGAAATATTTGAAAATGAAGTCATGGCCCTGCTGAGAGACTTTGCTAAAA[ACA>CC]AAAACAAAGAGCAGAGACTGCGTGCCCCAGATCTTGAGTACCTCTTTGAAAAGCCACGTT-3'